The following is an entry in ClinVar:

ClinVar aggregate classification (germline): Uncertain significance (1 of 4 stars; one submission).

Submission:

Labcorp Genetics (formerly Invitae), Labcorp
Classification: Uncertain significance. Last evaluated: 2022-07-12. Review status: criteria provided, single submitter. Criteria: Invitae Variant Classification Sherloc (09022015). Collection method: clinical testing. Allele origin: germline.
Comment: This sequence change replaces glutamic acid, which is acidic and polar, with aspartic acid, which is acidic and polar, at codon 102 of the RAB28 protein (p.Glu102Asp). This variant is not present in population databases (gnomAD no frequency). This variant has not been reported in the literature in individuals affected with RAB28-related conditions. ClinVar contains an entry for this variant (Variation ID: 1469985). Algorithms developed to predict the effect of missense changes on protein structure and function are either unavailable or do not agree on the potential impact of this missense change (SIFT: "Deleterious"; PolyPhen-2: "Benign"; Align-GVGD: "Class C35"). In summary, the available evidence is currently insufficient to determine the role of this variant in disease. Therefore, it has been classified as a Variant of Uncertain Significance.

NM_001017979.3(RAB28):c.306G>C (p.Glu102Asp)

Gene: RAB28 (RAB28, member RAS oncogene family; minus strand). Cytogenetic location: 4p15.33.
Variant type: single nucleotide variant.
Coding change: c.306G>C on transcript NM_001017979.3 (MANE Select); coding-DNA position 306, G replaced by C.
Protein change: p.Glu102Asp; replaces glutamic acid 102 with aspartic acid.
Molecular consequence: missense variant.
Genome position (GRCh38, 1-based): chr4:13,460,784, C>G on the plus strand (G>C on the coding strand, the complement: RAB28 is on the minus strand). VCF-style: chr4-13460784-C-G. GRCh37 (hg19) VCF-style: chr4-13462408-C-G.
Other names: c.306G>C, p.Glu102Asp (NM_001159601.2, NM_004249.4); short protein forms E102D.
Identifiers: ClinVar variation 1469985 (VCV001469985.8), dbSNP rs2108960170, ClinGen allele CA356373873.
Genomic context (GRCh38, chr4:13,460,784, plus strand): 5'-TGGCTGAGTTTCTGACTCCTCGCTCACTTTCTTCACCACAGTATACCAATCTTCTAAATT[C>G]TCAAAGCTTTGATAATTTGTAATATCATATACCAAGAGGACTCCCTGTCACAAAAGAGTT-3'
Protein context (NP_001017979.1, residues 92-112): VYDITNYQSF[Glu102Asp]NLEDWYTVVK